The following is an entry in ClinVar:

NM_001291415.2(KDM6A):c.2764C>G (p.Leu922Val)

Gene: KDM6A (lysine demethylase 6A; plus strand). Cytogenetic location: Xp11.3.
Variant type: single nucleotide variant.
Coding change: c.2764C>G on transcript NM_001291415.2 (MANE Select); coding-DNA position 2764, C replaced by G.
Protein change: p.Leu922Val; replaces leucine 922 with valine.
Molecular consequence: missense variant. On other transcripts: non-coding transcript variant (1).
Genome position (GRCh38, 1-based): chrX:45,070,263, C>G. VCF-style: chrX-45070263-C-G. GRCh37 (hg19) VCF-style: chrX-44929508-C-G.
Other names: c.2629C>G, p.Leu877Val (NM_001291416.2, NM_001419811.1); c.2473C>G, p.Leu825Val (NM_001291417.2); c.2371C>G, p.Leu791Val (NM_001291418.2, NM_001419815.1); c.1720C>G, p.Leu574Val (NM_001291421.2); c.2506C>G, p.Leu836Val (NM_001410742.1, NM_001419814.1); c.2764C>G, p.Leu922Val (NM_001419809.1); c.2662C>G, p.Leu888Val (NM_001419810.1, NM_001419813.1); c.2608C>G, p.Leu870Val (NM_001419812.1, NM_021140.4); short protein forms L574V, L791V, L825V, L836V, L870V, L877V, L888V, L922V.
Identifiers: ClinVar variation 3906829 (VCV003906829.2).

ClinVar aggregate classification (germline): Uncertain significance (1 of 4 stars; one submission).

gnomAD v4.1: 9 of 1,207,983 alleles (0.00075%); highest among the groups gnomAD compares: Non-Finnish European, 0.001%; no homozygotes.

Submission:

GeneDx
Classification: Uncertain significance. Last evaluated: 2025-11-06. Review status: criteria provided, single submitter. Criteria: GeneDx Variant Classification Process June 2021. Collection method: clinical testing. Allele origin: germline.
Comment: In silico analysis suggests that this missense variant does not alter protein structure/function; Has not been previously published as pathogenic or benign to our knowledge